The following is an entry in ClinVar:

ClinVar aggregate classification (germline): Likely benign (1 of 4 stars; one submission).

gnomAD v4.1: 11 of 1,588,134 alleles (0.00069%); highest among the groups gnomAD compares: East Asian, 0.0046%; no homozygotes.

Submission:

CeGaT Center for Human Genetics Tuebingen
Classification: Likely benign. Last evaluated: 2026-05-01. Review status: criteria provided, single submitter. Criteria: CeGaT Center For Human Genetics Tuebingen Variant Classification Criteria Version 2. Collection method: clinical testing. Allele origin: germline. Affected: yes. Observed: 1 variant allele.
Comment: PLXNB2: BP4, BP7

NM_012401.4(PLXNB2):c.2082C>T (p.Thr694=)

Gene: PLXNB2 (plexin B2; minus strand). Cytogenetic location: 22q13.33.
Variant type: single nucleotide variant.
Coding change: c.2082C>T on transcript NM_012401.4 (MANE Select); coding-DNA position 2082, C replaced by T.
Protein change: p.Thr694=; no amino-acid change (threonine 694 retained).
Molecular consequence: synonymous variant.
Genome position (GRCh38, 1-based): chr22:50,285,806, G>A on the plus strand (C>T on the coding strand, the complement: PLXNB2 is on the minus strand). VCF-style: chr22-50285806-G-A. GRCh37 (hg19) VCF-style: chr22-50724235-G-A.
Other names: c.2082C>T, p.Thr694= (NM_001376864.1, NM_001376865.1, NM_001376866.1 and 20 more transcripts).
Identifiers: ClinVar variation 4874008 (VCV004874008.2).
Genomic context (GRCh38, chr22:50,285,806, plus strand): 5'-CCTCCCTCCGCACCTGAGCCTGCCTGTCACCAGCCGGCACCCCTCCCTCCGCACCTTCAC[G>A]GTGTCCAGGTTCTTGCCCTGGAAGTTCACATCTGTCTCGTGGTTCATGGGGATCACCAGG-3'
Protein context (NP_036533.2, residues 684-704): DVNFQGKNLD[Thr694=]VKGSSLHVGS